The following is an entry in ClinVar:

NM_001381902.1(SAGE1):c.289T>C (p.Leu97=)

Gene: SAGE1 (sarcoma antigen 1; plus strand). Cytogenetic location: Xq26.3.
Variant type: single nucleotide variant.
Coding change: c.289T>C on transcript NM_001381902.1 (MANE Select); coding-DNA position 289, T replaced by C.
Protein change: p.Leu97=; no amino-acid change (leucine 97 retained).
Molecular consequence: synonymous variant.
Genome position (GRCh38, 1-based): chrX:135,904,545, T>C. VCF-style: chrX-135904545-T-C. GRCh37 (hg19) VCF-style: chrX-134986704-T-C.
Other names: c.289T>C, p.Leu97= (NM_018666.3).
Identifiers: ClinVar variation 3041939 (VCV003041939.2), dbSNP rs1485259507, ClinGen allele CA518490392.
Genomic context (GRCh38, chrX:135,904,545, plus strand): 5'-GTCACTCACAGCATTTGTGAAGAGAGGATAAATAACGGCCAACCAGTAGCTGATAATGTC[T>C]TGTCAACTGCTCCACCATGGCCTGGTAATATGGCAGCAGCAGGAATTTCATCCATGAGTA-3'
Protein context (NP_001368831.1, residues 87-107): NNGQPVADNV[Leu97=]STAPPWPDAT

ClinVar aggregate classification (germline): Likely benign (0 of 4 stars; one submission).

Conditions:
SAGE1-related disorder. Also called: SAGE1-related condition.

Allele frequency attached by ClinVar (database versions not stated): gnomAD exomes 0.00001; TOPMed 0.00002; gnomAD 0.00003.
gnomAD v4.1: 10 of 1,194,571 alleles (0.00084%); highest among the groups gnomAD compares: Non-Finnish European, 0.0011%; no homozygotes.

Submission:

PreventionGenetics, part of Exact Sciences
Classification: Likely benign for SAGE1-related condition. Last evaluated: 2019-05-10. Review status: no assertion criteria provided. Collection method: clinical testing. Allele origin: germline.
Comment: This variant is classified as likely benign based on ACMG/AMP sequence variant interpretation guidelines (Richards et al. 2015 PMID: 25741868, with internal and published modifications).